The following is an entry in ClinVar:

NM_031483.7(ITCH):c.1448A>G (p.Tyr483Cys)

Gene: ITCH (itchy E3 ubiquitin protein ligase; plus strand). Cytogenetic location: 20q11.22.
Variant type: single nucleotide variant.
Coding change: c.1448A>G on transcript NM_031483.7 (MANE Select); coding-DNA position 1448, A replaced by G.
Protein change: p.Tyr483Cys; replaces tyrosine 483 with cysteine.
Molecular consequence: missense variant.
Genome position (GRCh38, 1-based): chr20:34,470,071, A>G. VCF-style: chr20-34470071-A-G. GRCh37 (hg19) VCF-style: chr20-33057876-A-G.
Other names: c.1571A>G, p.Tyr524Cys (NM_001257137.3, NM_001324197.2); c.1118A>G, p.Tyr373Cys (NM_001257138.3); c.1448A>G, p.Tyr483Cys (NM_001324198.2); short protein forms Y373C, Y483C, Y524C.
Identifiers: ClinVar variation 1677427 (VCV001677427.4), dbSNP rs2146414092, ClinGen allele CA408667969.

ClinVar aggregate classification (germline): Uncertain significance. Review status: criteria provided, multiple submitters, no conflicts (2 of 4 stars). 2 submissions from 2 submitters: Uncertain significance (2). Last evaluated 2023-12-28.

Conditions:
Syndromic multisystem autoimmune disease due to ITCH deficiency. Also called: AUTOIMMUNE DISEASE, MULTISYSTEM, WITH FACIAL DYSMORPHISM. Identifiers: Orphanet 228426, MedGen C3150649, MONDO:0013245, OMIM 613385.

Allele frequency attached by ClinVar (database versions not stated): gnomAD exomes 0.00001.
gnomAD v4.1: 5 of 1,613,928 alleles (0.00031%); highest among the groups gnomAD compares: Non-Finnish European, 0.00042%; no homozygotes.

Submissions (2):

Labcorp Genetics (formerly Invitae), Labcorp
Classification: Uncertain significance for Syndromic multisystem autoimmune disease due to ITCH deficiency. Last evaluated: 2023-12-28. Review status: criteria provided, single submitter. Criteria: Invitae Variant Classification Sherloc (09022015). Collection method: clinical testing. Allele origin: germline.
Comment: This sequence change replaces tyrosine, which is neutral and polar, with cysteine, which is neutral and slightly polar, at codon 483 of the ITCH protein (p.Tyr483Cys). This variant is not present in population databases (gnomAD no frequency). This variant has not been reported in the literature in individuals affected with ITCH-related conditions. ClinVar contains an entry for this variant (Variation ID: 1677427). An algorithm developed to predict the effect of missense changes on protein structure and function (PolyPhen-2) suggests that this variant is likely to be tolerated. In summary, the available evidence is currently insufficient to determine the role of this variant in disease. Therefore, it has been classified as a Variant of Uncertain Significance.

AiLife Diagnostics
Classification: Uncertain significance. Last evaluated: 2021-08-08. Review status: criteria provided, single submitter. Criteria: ACMG Guidelines, 2015. Collection method: clinical testing. Allele origin: germline. Affected: yes. Observed: 1 variant allele.